The following is an entry in ClinVar:

NM_004434.3(EML1):c.875C>T (p.Ala292Val)

Gene: EML1 (EMAP like 1; plus strand). Cytogenetic location: 14q32.2.
Variant type: single nucleotide variant.
Coding change: c.875C>T on transcript NM_004434.3 (MANE Select); coding-DNA position 875, C replaced by T.
Protein change: p.Ala292Val; replaces alanine 292 with valine.
Molecular consequence: missense variant.
Genome position (GRCh38, 1-based): chr14:99,898,280, C>T. VCF-style: chr14-99898280-C-T. GRCh37 (hg19) VCF-style: chr14-100364617-C-T.
Other names: c.932C>T, p.Ala311Val (NM_001008707.2); c.836C>T, p.Ala279Val (NM_001375411.1); c.875C>T, p.Ala292Val (NM_001375412.1); short protein forms A279V, A292V, A311V.
Identifiers: ClinVar variation 2416720 (VCV002416720.6), dbSNP rs201676476, ClinGen allele CA7342459.

ClinVar aggregate classification (germline): Uncertain significance. Review status: criteria provided, multiple submitters, no conflicts (2 of 4 stars). 2 submissions from 2 submitters: Uncertain significance (2). Last evaluated 2024-11-29.

Allele frequency attached by ClinVar (database versions not stated): gnomAD 0.00004; ExAC 0.00006; TOPMed 0.00006.
gnomAD v4.1: 105 of 1,610,884 alleles (0.0065%); highest among the groups gnomAD compares: Non-Finnish European, 0.0082%; no homozygotes.

Submissions (2):

Labcorp Genetics (formerly Invitae), Labcorp
Classification: Uncertain significance. Last evaluated: 2024-11-29. Review status: criteria provided, single submitter. Criteria: Invitae Variant Classification Sherloc (09022015). Collection method: clinical testing. Allele origin: germline.
Comment: This sequence change replaces alanine, which is neutral and non-polar, with valine, which is neutral and non-polar, at codon 292 of the EML1 protein (p.Ala292Val). This variant is present in population databases (rs201676476, gnomAD 0.02%). This variant has not been reported in the literature in individuals affected with EML1-related conditions. ClinVar contains an entry for this variant (Variation ID: 2416720). An algorithm developed to predict the effect of missense changes on protein structure and function (PolyPhen-2) suggests that this variant is likely to be disruptive. In summary, the available evidence is currently insufficient to determine the role of this variant in disease. Therefore, it has been classified as a Variant of Uncertain Significance.

Blueprint Genetics
Classification: Uncertain significance. Last evaluated: 2024-09-13. Review status: criteria provided, single submitter. Criteria: ACMG Guidelines, 2015. Collection method: clinical testing. Allele origin: germline.